The following is an entry in ClinVar:

NM_003072.5(SMARCA4):c.4673C>T (p.Thr1558Ile)

Gene: SMARCA4 (SWI/SNF related BAF chromatin remodeling complex subunit ATPase 4; plus strand). Cytogenetic location: 19p13.2.
Variant type: single nucleotide variant.
Coding change: c.4673C>T on transcript NM_003072.5 (MANE Select); coding-DNA position 4673, C replaced by T.
Protein change: p.Thr1558Ile; replaces threonine 1558 with isoleucine.
Molecular consequence: missense variant. On other transcripts: non-coding transcript variant (1).
Genome position (GRCh38, 1-based): chr19:11,059,790, C>T. VCF-style: chr19-11059790-C-T. GRCh37 (hg19) VCF-style: chr19-11170466-C-T.
Other names: c.4673C>T, p.Thr1558Ile (NM_001128844.3); c.4583C>T, p.Thr1528Ile (NM_001128845.2); c.4580C>T, p.Thr1527Ile (NM_001128846.2); c.4574C>T, p.Thr1525Ile (NM_001128847.4, NM_001374457.1); c.4571C>T, p.Thr1524Ile (NM_001128848.2); c.4769C>T, p.Thr1590Ile (NM_001128849.3, NM_001387283.1); short protein forms T1590I, T1558I, T1524I, T1525I, T1527I, T1528I.
Identifiers: ClinVar variation 484846 (VCV000484846.16), dbSNP rs765873407, ClinGen allele CA9204822.

ClinVar aggregate classification (germline): Conflicting classifications of pathogenicity. Review status: criteria provided, conflicting classifications (1 of 4 stars). 4 submissions from 4 submitters: Uncertain significance (3); Likely benign (1). Last evaluated 2025-12-22.

Conditions:
Hereditary cancer-predisposing syndrome. Also called: Neoplastic Syndromes, Hereditary; Tumor predisposition; Hereditary Cancer Syndrome; Hereditary neoplastic syndrome. Identifiers: Orphanet 140162, MedGen C0027672, MeSH D009386, MONDO:0015356.
Intellectual disability, autosomal dominant 16 (CSS4). Also called: COFFIN-SIRIS SYNDROME 4. Identifiers: Orphanet 1465, MedGen C3553249, MONDO:0013821, OMIM 614609.
Rhabdoid tumor predisposition syndrome 2 (RTPS2). Identifiers: Orphanet 231108, Orphanet 69077, MedGen C2750074, MONDO:0013224, OMIM 613325.

Allele frequency attached by ClinVar (database versions not stated): gnomAD exomes below 0.00001; gnomAD 0.00001 and 0.00003; ExAC 0.00002.
gnomAD v4.1: 13 of 1,604,332 alleles (0.00081%); highest among the groups gnomAD compares: East Asian, 0.0023%; no homozygotes.

Submissions (4):

Labcorp Genetics (formerly Invitae), Labcorp
Classification: Uncertain significance for Rhabdoid tumor predisposition syndrome 2. Last evaluated: 2025-12-22. Review status: criteria provided, single submitter. Criteria: Invitae Variant Classification Sherloc (09022015). Collection method: clinical testing. Allele origin: germline.
Comment: This sequence change replaces threonine, which is neutral and polar, with isoleucine, which is neutral and non-polar, at codon 1590 of the SMARCA4 protein (p.Thr1590Ile). This variant is present in population databases (rs765873407, gnomAD 0.006%). This variant has not been reported in the literature in individuals affected with SMARCA4-related conditions. ClinVar contains an entry for this variant (Variation ID: 484846). Invitae Evidence Modeling of protein sequence and biophysical properties (such as structural, functional, and spatial information, amino acid conservation, physicochemical variation, residue mobility, and thermodynamic stability) indicates that this missense variant is not expected to disrupt SMARCA4 protein function with a negative predictive value of 95%. In summary, the available evidence is currently insufficient to determine the role of this variant in disease. Therefore, it has been classified as a Variant of Uncertain Significance.

Ambry Genetics
Classification: Likely benign for Hereditary cancer-predisposing syndrome. Last evaluated: 2023-06-08. Review status: criteria provided, single submitter. Criteria: Ambry Variant Classification Scheme 2023. Collection method: clinical testing. Allele origin: germline.

GeneDx
Classification: Uncertain significance. Last evaluated: 2022-03-31. Review status: criteria provided, single submitter. Criteria: GeneDx Variant Classification Process June 2021. Collection method: clinical testing. Allele origin: germline. Affected: yes.
Comment: In silico analysis supports that this missense variant has a deleterious effect on protein structure/function; Has not been previously published as pathogenic or benign to our knowledge; This variant is associated with the following publications: (PMID: 24658002)

Genome-Nilou Lab
Classification: Uncertain significance for Intellectual disability, autosomal dominant 16. Last evaluated: 2021-07-15. Review status: criteria provided, single submitter. Criteria: ACMG Guidelines, 2015. Collection method: clinical testing. Allele origin: germline. Affected: no.